The following is an entry in ClinVar:

ClinVar aggregate classification (germline): Uncertain significance (1 of 4 stars; one submission).

Conditions:
LAMA2-related muscular dystrophy (LAMA2-RD). Also called: Laminin alpha 2-related dystrophy. Identifiers: MedGen C5679788, MONDO:0100228.

Submission:

Labcorp Genetics (formerly Invitae), Labcorp
Classification: Uncertain significance for LAMA2-related muscular dystrophy. Last evaluated: 2023-12-11. Review status: criteria provided, single submitter. Criteria: Invitae Variant Classification Sherloc (09022015). Collection method: clinical testing. Allele origin: germline.
Comment: This sequence change falls in intron 8 of the LAMA2 gene. It does not directly change the encoded amino acid sequence of the LAMA2 protein. This variant is not present in population databases (gnomAD no frequency). This variant has not been reported in the literature in individuals affected with LAMA2-related conditions. ClinVar contains an entry for this variant (Variation ID: 1371309). In summary, the available evidence is currently insufficient to determine the role of this variant in disease. Therefore, it has been classified as a Variant of Uncertain Significance.

NM_000426.4(LAMA2):c.1206+18_1206+47dup

Gene: LAMA2 (laminin subunit alpha 2; plus strand). Cytogenetic location: 6q22.33.
Variant type: Duplication.
Coding change: c.1206+18_1206+47dup on transcript NM_000426.4 (MANE Select); bases 18 to 47 of the intron after coding-DNA position 1206, 30 bases duplicated (TTTCATAAAGAGTTATTTTTTTGCTTTTTC).
Molecular consequence: intron variant.
Genome position (GRCh38, 1-based): chr6:129,154,701-129,154,730, TTTCATAAAGAGTTATTTTTTTGCTTTTTC duplicated; duplicating any 30 consecutive bases within chr6:129,154,692-129,154,730 gives the same sequence; the c. name uses the placement nearest the transcript's 3' end. VCF-style (leftmost placement, unchanged base first): chr6-129154691-A-ATGCTTTTTCTTTCATAAAGAGTTATTTTTT. GRCh37 (hg19) VCF-style: chr6-129475836-A-ATGCTTTTTCTTTCATAAAGAGTTATTTTTT.
Other names: c.1206+18_1206+47dup (NM_001079823.2).
Identifiers: ClinVar variation 1371309 (VCV001371309.6), dbSNP rs2114976542, ClinGen allele CA2573140440.